The following is an entry in ClinVar:

NM_006204.4(PDE6C):c.1177G>A (p.Val393Ile)

Gene: PDE6C (phosphodiesterase 6C; plus strand). Cytogenetic location: 10q23.33.
Variant type: single nucleotide variant.
Coding change: c.1177G>A on transcript NM_006204.4 (MANE Select); coding-DNA position 1177, G replaced by A.
Protein change: p.Val393Ile; replaces valine 393 with isoleucine.
Molecular consequence: missense variant.
Genome position (GRCh38, 1-based): chr10:93,634,815, G>A. VCF-style: chr10-93634815-G-A. GRCh37 (hg19) VCF-style: chr10-95394572-G-A.
Other names: short protein forms V393I.
Identifiers: ClinVar variation 1038896 (VCV001038896.9), dbSNP rs1444531186, ClinGen allele CA377613378.
Genomic context (GRCh38, chr10:93,634,815, plus strand): 5'-TAGAAAGGACCTGTAGACGAAACTGGTTGGGTCATTAAGAATGTTTTGTCCCTGCCTATT[G>A]TCAACAAGAAAGAAGATATTGTGGGAGTGGCTACATTTTACAACAGGAAGGATGGAAAAC-3'
Protein context (NP_006195.3, residues 383-403): VIKNVLSLPI[Val393Ile]NKKEDIVGVA

ClinVar aggregate classification (germline): Uncertain significance. Review status: criteria provided, multiple submitters, no conflicts (2 of 4 stars). 2 submissions from 2 submitters: Uncertain significance (2). Last evaluated 2023-06-29.

Allele frequency attached by ClinVar (database versions not stated): gnomAD exomes below 0.00001 and 0.00003; gnomAD 0.00001; TOPMed 0.00001.
gnomAD v4.1: 39 of 1,613,998 alleles (0.0024%); highest among the groups gnomAD compares: Non-Finnish European, 0.0033%; no homozygotes.

Submissions (2):

Blueprint Genetics
Classification: Uncertain significance. Last evaluated: 2023-06-29. Review status: criteria provided, single submitter. Criteria: ACMG Guidelines, 2015. Collection method: clinical testing. Allele origin: germline.

Labcorp Genetics (formerly Invitae), Labcorp
Classification: Uncertain significance. Last evaluated: 2020-08-05. Review status: criteria provided, single submitter. Criteria: Invitae Variant Classification Sherloc (09022015). Collection method: clinical testing. Allele origin: germline.
Comment: In summary, the available evidence is currently insufficient to determine the role of this variant in disease. Therefore, it has been classified as a Variant of Uncertain Significance. Algorithms developed to predict the effect of missense changes on protein structure and function are either unavailable or do not agree on the potential impact of this missense change (SIFT: "Tolerated"; PolyPhen-2: "Probably Damaging"; Align-GVGD: "Class C0"). This variant has not been reported in the literature in individuals with PDE6C-related conditions. This variant is not present in population databases (ExAC no frequency). This sequence change replaces valine with isoleucine at codon 393 of the PDE6C protein (p.Val393Ile). The valine residue is highly conserved and there is a small physicochemical difference between valine and isoleucine.